The following is an entry in ClinVar:

ClinVar aggregate classification (germline): Conflicting classifications of pathogenicity. Review status: criteria provided, conflicting classifications (1 of 4 stars). 3 submissions from 3 submitters: Uncertain significance (1); Likely benign (2). Last evaluated 2025-11-08.

Conditions:
Inborn genetic diseases. Identifiers: MedGen C0950123, MeSH D030342.

Allele frequency attached by ClinVar (database versions not stated): gnomAD exomes below 0.00001; TOPMed 0.00001; gnomAD 0.00002.
gnomAD v4.1: 8 of 1,613,760 alleles (0.0005%); highest among the groups gnomAD compares: African/African-American, 0.0027%; no homozygotes.

Submissions (3):

Ambry Genetics
Classification: Uncertain significance for Inborn genetic diseases. Last evaluated: 2025-11-08. Review status: criteria provided, single submitter. Criteria: Ambry Variant Classification Scheme 2023. Collection method: clinical testing. Allele origin: germline.
Comment: The c.16258C>A (p.Q5420K) alteration is located in exon 76 (coding exon 76) of the ADGRV1 gene. This alteration results from a C to A substitution at nucleotide position 16258, causing the glutamine (Q) at amino acid position 5420 to be replaced by a lysine (K). Based on data from gnomAD, the A allele has an overall frequency of 0.001% (2/280582) total alleles studied. The highest observed frequency was 0.004% (1/24194) of African alleles. Based on insufficient or conflicting evidence, the clinical significance of this alteration remains unclear.

Labcorp Genetics (formerly Invitae), Labcorp
Classification: Likely benign. Last evaluated: 2024-02-16. Review status: criteria provided, single submitter. Criteria: Invitae Variant Classification Sherloc (09022015). Collection method: clinical testing. Allele origin: germline.

Laboratory for Molecular Medicine, Mass General Brigham Personalized Medicine
Classification: Likely benign. Last evaluated: 2016-02-18. Review status: criteria provided, single submitter. Criteria: LMM Criteria. Collection method: clinical testing. Allele origin: germline. Observed: 1 variant allele.
Comment: p.Gln5420Lys in exon 76 of GPR98: This variant is not expected to have clinical significance due to a lack of conservation in mammals. Of note, five mammals hav e a lysine (Lys) at this position despite high nearby amino acid conservation. I n addition, computational prediction tools do not suggest a high likelihood of i mpact to the protein.

NM_032119.4(ADGRV1):c.16258C>A (p.Gln5420Lys)

Gene: ADGRV1 (adhesion G protein-coupled receptor V1; plus strand). Cytogenetic location: 5q14.3.
Variant type: single nucleotide variant.
Coding change: c.16258C>A on transcript NM_032119.4 (MANE Select); coding-DNA position 16258, C replaced by A.
Protein change: p.Gln5420Lys; replaces glutamine 5420 with lysine.
Molecular consequence: missense variant. On other transcripts: non-coding transcript variant (1).
Genome position (GRCh38, 1-based): chr5:90,823,486, C>A. VCF-style: chr5-90823486-C-A. GRCh37 (hg19) VCF-style: chr5-90119303-C-A.
Other names: short protein forms Q5420K.
Identifiers: ClinVar variation 227397 (VCV000227397.12), dbSNP rs876657472, ClinGen allele CA10576675.